The following is an entry in ClinVar:

ClinVar aggregate classification (germline): Uncertain significance (1 of 4 stars; one submission).

Conditions:
Interstitial lung disease 2 (ILD2). Also called: Familial idiopathic pulmonary fibrosis; FIBROCYSTIC PULMONARY DYSPLASIA; FIBROSING ALVEOLITIS, CRYPTOGENIC. Identifiers: Orphanet 2032, Orphanet 79126, MedGen C5561926, MONDO:0800497, OMIM 178500, MONDO:0800029.
Dyskeratosis congenita, autosomal dominant 2. Identifiers: MedGen C3151443, MONDO:0013521, OMIM 613989.

Submission:

Labcorp Genetics (formerly Invitae), Labcorp
Classification: Uncertain significance for Dyskeratosis congenita, autosomal dominant, 2; Idiopathic fibrosing alveolitis, chronic form. Last evaluated: 2019-09-23. Review status: criteria provided, single submitter. Criteria: Invitae Variant Classification Sherloc (09022015). Collection method: clinical testing. Allele origin: germline.
Comment: This variant results in a copy number gain of the genomic region encompassing exons 13-16 of the TERT gene. The 5' boundary is likely confined to intron 12. The 3' end of this event is unknown as it extends beyond the assayed region for this gene and therefore may encompass additional genes. As the precise location of this event is unknown, it may be in tandem or it may be located elsewhere in the genome. A copy number gain of exons 13-16 has not been reported in the literature in individuals with TERT-related disease. Experimental studies and prediction algorithms are not available for this variant, and the functional significance of the duplicated amino acids is currently unknown. In summary, the available evidence is currently insufficient to determine the role of this variant in disease. Therefore, it has been classified as a Variant of Uncertain Significance.

NC_000005.10:g.(?_1253708)_(1258679_?)dup

Gene: TERT (telomerase reverse transcriptase; minus strand). Cytogenetic location: 5p15.33.
Variant type: Duplication.
Identifiers: ClinVar variation 831896 (VCV000831896.1).